The following is an entry in ClinVar:

NM_000203.5(IDUA):c.898G>A (p.Ala300Thr)

Gene: IDUA (alpha-L-iduronidase; plus strand). Cytogenetic location: 4p16.3.
Variant type: single nucleotide variant.
Coding change: c.898G>A on transcript NM_000203.5 (MANE Select); coding-DNA position 898, G replaced by A.
Protein change: p.Ala300Thr; replaces alanine 300 with threonine.
Molecular consequence: missense variant. On other transcripts: non-coding transcript variant (1).
Genome position (GRCh38, 1-based): chr4:1,002,087, G>A. VCF-style: chr4-1002087-G-A. GRCh37 (hg19) VCF-style: chr4-995875-G-A.
Other names: c.502G>A, p.Ala168Thr (NM_001363576.1); short protein forms A300T, A168T.
Identifiers: ClinVar variation 11923 (VCV000011923.20), dbSNP rs121965030, ClinGen allele CA121772.

ClinVar aggregate classification (germline): Conflicting classifications of pathogenicity. Review status: criteria provided, conflicting classifications (1 of 4 stars). 7 submissions from 7 submitters: Pathogenic (1); Likely pathogenic (1); Uncertain significance (2). 3 of the submissions do not count toward it. Last evaluated 2026-02-02.

Conditions:
IDUA-related disorders.
Mucopolysaccharidosis type 1. Also called: Mucopolysaccharidosis Type I; IDUA deficiency; MPS I. Identifiers: Orphanet 579, MedGen C0023786, MONDO:0001586.
IDUA PSEUDODEFICIENCY. Identifiers: MedGen C4016443.
Hurler syndrome. Also called: Severe MPS I (Hurler Syndrome); Gargoylism, Hurler Syndrome; MUCOPOLYSACCHARIDOSIS TYPE IH. Identifiers: Orphanet 93473, MedGen C0086795, MONDO:0011758, OMIM 607014.

Allele frequency attached by ClinVar (database versions not stated): gnomAD 0.00001; gnomAD exomes 0.00002; TOPMed 0.00002.
gnomAD v4.1: 13 of 1,580,370 alleles (0.00082%); highest among the groups gnomAD compares: Non-Finnish European, 0.0011%; no homozygotes.

Submissions (7):

Women's Health and Genetics/Laboratory Corporation of America, LabCorp
Classification: Uncertain significance. Last evaluated: 2026-02-02. Review status: criteria provided, single submitter. Criteria: LabCorp Variant Classification Summary - May 2015. Collection method: clinical testing. Allele origin: germline.
Comment: Variant summary: IDUA c.898G>A (p.Ala300Thr) results in a non-conservative amino acid change in the encoded protein sequence. Algorithms developed to predict the effect of missense changes on protein structure and function all suggest that this variant is likely to be disruptive. The frequency data for this variant in gnomAD is considered unreliable, as metrics indicate poor data quality at this position. c.898G>A has been observed in cis with a pathogenic variant on an allele which was trans with a known pathogenic truncation in at least 1 individual(s) affected with clinical features of Mucopolysaccharidosis Type 1, however this genotype was also observed in an unaffected sibling (example, Aronovich_1996). Additionally, this variant was found presumed compound heterozygous in 3 unrelated individuals who were unaffected (example, Herbst_2025). To our knowledge, no experimental evidence demonstrating an impact on protein function has been reported, however patient enzymatic data suggest that this variant may be a pseudodeficiency allele, though this has not been well established in the literature (Aronovich_1996, Herbst_2025). The following publications have been ascertained in the context of this evaluation (PMID: 30442161, 29235819, 28676128, 40449593, 39702574, 21502868, 24036510, 28608934, 39754079, 39645522, 8554071, 39559959). ClinVar contains an entry for this variant (Variation ID: 11923). Based on the evidence outlined above, the variant was classified as uncertain significance.

Labcorp Genetics (formerly Invitae), Labcorp
Classification: Pathogenic for Mucopolysaccharidosis type 1. Last evaluated: 2026-01-11. Review status: criteria provided, single submitter. Criteria: Invitae Variant Classification Sherloc (09022015). Collection method: clinical testing. Allele origin: germline.
Comment: This sequence change replaces alanine, which is neutral and non-polar, with threonine, which is neutral and polar, at codon 300 of the IDUA protein (p.Ala300Thr). This variant is not present in population databases (gnomAD no frequency). This missense change has been observed in individual(s) with mucopolysaccharidosis type I (PMID: 8554071). In at least one individual the data is consistent with being in trans (on the opposite chromosome) from a pathogenic variant. It has also been observed to segregate with disease in related individuals. ClinVar contains an entry for this variant (Variation ID: 11923). Invitae Evidence Modeling of protein sequence and biophysical properties (such as structural, functional, and spatial information, amino acid conservation, physicochemical variation, residue mobility, and thermodynamic stability) indicates that this missense variant is expected to disrupt IDUA protein function with a positive predictive value of 95%. For these reasons, this variant has been classified as Pathogenic.

Revvity Omics, Revvity
Classification: Uncertain significance. Last evaluated: 2023-10-27. Review status: criteria provided, single submitter. Criteria: ACMG Guidelines, 2015. Collection method: clinical testing. Allele origin: germline.

Blueprint Genetics
Classification: Likely pathogenic for IDUA-related disorders. Last evaluated: 2022-12-22. Review status: criteria provided, single submitter. Criteria: ACMG Guidelines, 2015. Collection method: clinical testing. Allele origin: germline. Affected: yes. Observed: 5 variant alleles.

Natera, Inc.
Classification: Uncertain significance for Mucopolysaccharidosis type I. Last evaluated: 2021-03-24. Review status: no assertion criteria provided. Collection method: clinical testing. Allele origin: germline. Not counted in ClinVar's aggregate classification.

Counsyl
Classification: Uncertain significance for Hurler syndrome. Last evaluated: 2017-05-10. Review status: no assertion criteria provided. Collection method: clinical testing. Allele origin: unknown. Not counted in ClinVar's aggregate classification.

OMIM
Classification: Pathogenic for IDUA PSEUDODEFICIENCY. Last evaluated: 1996-01-01. Review status: no assertion criteria provided. Collection method: literature only. Allele origin: germline. Not counted in ClinVar's aggregate classification.

Literature cited by the submitters: PubMed 24036510 (cited by Women's Health and Genetics/Laboratory Corporation of America, LabCorp); PubMed 28676128 (cited by Women's Health and Genetics/Laboratory Corporation of America, LabCorp); PubMed 30442161 (cited by Women's Health and Genetics/Laboratory Corporation of America, LabCorp); PubMed 39645522 (cited by Women's Health and Genetics/Laboratory Corporation of America, LabCorp); PubMed 39754079 (cited by Women's Health and Genetics/Laboratory Corporation of America, LabCorp); PubMed 28608934 (cited by Women's Health and Genetics/Laboratory Corporation of America, LabCorp); PubMed 21502868 (cited by Women's Health and Genetics/Laboratory Corporation of America, LabCorp); PubMed 39702574 (cited by Women's Health and Genetics/Laboratory Corporation of America, LabCorp); PubMed 40449593 (cited by Women's Health and Genetics/Laboratory Corporation of America, LabCorp); PubMed 29235819 (cited by Women's Health and Genetics/Laboratory Corporation of America, LabCorp); PubMed 39559959 (cited by Women's Health and Genetics/Laboratory Corporation of America, LabCorp); PubMed 8554071 (cited by 4 submitters).